The following is an entry in ClinVar:

ClinVar aggregate classification (germline): Uncertain significance (1 of 4 stars; one submission).

Conditions:
Naxos disease (NXD). Also called: CARDIOMYOPATHY, ARRHYTHMOGENIC RIGHT VENTRICULAR, WITH SKIN, HAIR, AND NAIL ABNORMALITIES; WOOLLY HAIR, PALMOPLANTAR KERATODERMA, AND CARDIAC ABNORMALITIES; KERATOSIS PALMOPLANTARIS WITH ARRHYTHMOGENIC CARDIOMYOPATHY; MAL DE NAXOS; PALMOPLANTAR KERATODERMA WITH ARRHYTHMOGENIC RIGHT VENTRICULAR CARDIOMYOPATHY AND WOOLLY HAIR. Identifiers: Orphanet 34217, MedGen C1832600, MONDO:0011017, OMIM 601214.
Arrhythmogenic right ventricular dysplasia 12. Also called: ARRHYTHMOGENIC RIGHT VENTRICULAR DYSPLASIA, FAMILIAL, 12. Identifiers: MedGen C1969081, MONDO:0012684, OMIM 611528.

gnomAD v4.1: 2 of 1,613,628 alleles (0.00012%); highest among the groups gnomAD compares: South Asian, 0.0011%; no homozygotes.

Submission:

Labcorp Genetics (formerly Invitae), Labcorp
Classification: Uncertain significance for Arrhythmogenic right ventricular dysplasia 12; Naxos disease. Last evaluated: 2022-07-22. Review status: criteria provided, single submitter. Criteria: Invitae Variant Classification Sherloc (09022015). Collection method: clinical testing. Allele origin: germline.
Comment: The frequency data for this variant in the population databases is considered unreliable, as metrics indicate poor data quality at this position in the gnomAD database. In summary, the available evidence is currently insufficient to determine the role of this variant in disease. Therefore, it has been classified as a Variant of Uncertain Significance. Algorithms developed to predict the effect of missense changes on protein structure and function are either unavailable or do not agree on the potential impact of this missense change (SIFT: "Deleterious"; PolyPhen-2: "Probably Damaging"; Align-GVGD: "Class C0"). This variant has not been reported in the literature in individuals affected with JUP-related conditions. This sequence change replaces arginine, which is basic and polar, with cysteine, which is neutral and slightly polar, at codon 367 of the JUP protein (p.Arg367Cys).

NM_002230.4(JUP):c.1099C>T (p.Arg367Cys)

Gene: JUP (junction plakoglobin; minus strand). Cytogenetic location: 17q21.2.
Variant type: single nucleotide variant.
Coding change: c.1099C>T on transcript NM_002230.4 (MANE Select); coding-DNA position 1099, C replaced by T.
Protein change: p.Arg367Cys; replaces arginine 367 with cysteine.
Molecular consequence: missense variant.
Genome position (GRCh38, 1-based): chr17:41,764,772, G>A on the plus strand (C>T on the coding strand, the complement: JUP is on the minus strand). VCF-style: chr17-41764772-G-A. GRCh37 (hg19) VCF-style: chr17-39921024-G-A.
Other names: c.1099C>T, p.Arg367Cys (NM_001352773.2, NM_001352774.2, NM_001352775.2 and 3 more transcripts); short protein forms R367C.
Identifiers: ClinVar variation 1933618 (VCV001933618.5), dbSNP rs76416187, ClinGen allele CA399498898.